The following is an entry in ClinVar:

NM_001145809.2(MYH14):c.2236G>A (p.Gly746Arg)

Gene: MYH14 (myosin heavy chain 14; plus strand). Cytogenetic location: 19q13.33.
Variant type: single nucleotide variant.
Coding change: c.2236G>A on transcript NM_001145809.2 (MANE Select); coding-DNA position 2236, G replaced by A.
Protein change: p.Gly746Arg; replaces glycine 746 with arginine.
Molecular consequence: missense variant.
Genome position (GRCh38, 1-based): chr19:50,259,147, G>A. VCF-style: chr19-50259147-G-A. GRCh37 (hg19) VCF-style: chr19-50762404-G-A.
Other names: c.2137G>A, p.Gly713Arg (NM_001077186.2); c.2113G>A, p.Gly705Arg (NM_024729.4); short protein forms G705R, G713R, G746R.
Identifiers: ClinVar variation 1305710 (VCV001305710.3), dbSNP rs371501957, ClinGen allele CA9592833.

ClinVar aggregate classification (germline): Uncertain significance (1 of 4 stars; one submission).

Allele frequency attached by ClinVar (database versions not stated): gnomAD exomes below 0.00001 and 0.00001; TOPMed below 0.00001; gnomAD 0.00001; ESP Exome Variant Server 0.00008.
gnomAD v4.1: 5 of 1,554,192 alleles (0.00032%); highest among the groups gnomAD compares: East Asian, 0.0048%; no homozygotes.

Submission:

GeneDx
Classification: Uncertain significance. Last evaluated: 2025-05-16. Review status: criteria provided, single submitter. Criteria: GeneDx Variant Classification Process June 2021. Collection method: clinical testing. Allele origin: germline. Affected: yes.
Comment: In silico analysis supports that this missense variant has a deleterious effect on protein structure/function; Has not been previously published as pathogenic or benign to our knowledge